The following is an entry in ClinVar:

NM_005431.2(XRCC2):c.818G>A (p.Gly273Glu)

Gene: XRCC2 (X-ray repair cross complementing 2; minus strand). Cytogenetic location: 7q36.1.
Variant type: single nucleotide variant.
Coding change: c.818G>A on transcript NM_005431.2 (MANE Select); coding-DNA position 818, G replaced by A.
Protein change: p.Gly273Glu; replaces glycine 273 with glutamic acid.
Molecular consequence: missense variant.
Genome position (GRCh38, 1-based): chr7:152,648,667, C>T on the plus strand (G>A on the coding strand, the complement: XRCC2 is on the minus strand). VCF-style: chr7-152648667-C-T. GRCh37 (hg19) VCF-style: chr7-152345752-C-T.
Other names: short protein forms G273E.
Identifiers: ClinVar variation 1962760 (VCV001962760.5), dbSNP rs2116986933, ClinGen allele CA370197868.

ClinVar aggregate classification (germline): Uncertain significance (1 of 4 stars; one submission).

Submission:

Labcorp Genetics (formerly Invitae), Labcorp
Classification: Uncertain significance. Last evaluated: 2022-10-27. Review status: criteria provided, single submitter. Criteria: Invitae Variant Classification Sherloc (09022015). Collection method: clinical testing. Allele origin: germline.
Comment: In summary, the available evidence is currently insufficient to determine the role of this variant in disease. Therefore, it has been classified as a Variant of Uncertain Significance. Advanced modeling of protein sequence and biophysical properties (such as structural, functional, and spatial information, amino acid conservation, physicochemical variation, residue mobility, and thermodynamic stability) performed at Invitae indicates that this missense variant is not expected to disrupt XRCC2 protein function. This variant has not been reported in the literature in individuals affected with XRCC2-related conditions. This variant is not present in population databases (gnomAD no frequency). This sequence change replaces glycine, which is neutral and non-polar, with glutamic acid, which is acidic and polar, at codon 273 of the XRCC2 protein (p.Gly273Glu).